The following is an entry in ClinVar:

NM_001080512.3(BICC1):c.707A>G (p.Asn236Ser)

Gene: BICC1 (BicC family RNA binding protein 1; plus strand). Cytogenetic location: 10q21.1.
Variant type: single nucleotide variant.
Coding change: c.707A>G on transcript NM_001080512.3 (MANE Select); coding-DNA position 707, A replaced by G.
Protein change: p.Asn236Ser; replaces asparagine 236 with serine.
Molecular consequence: missense variant.
Genome position (GRCh38, 1-based): chr10:58,789,368, A>G. VCF-style: chr10-58789368-A-G. GRCh37 (hg19) VCF-style: chr10-60549128-A-G.
Other names: short protein forms N236S.
Identifiers: ClinVar variation 1181881 (VCV001181881.3), dbSNP rs532086549, ClinGen allele CA5508310.

ClinVar aggregate classification (germline): Uncertain significance. Review status: criteria provided, multiple submitters, no conflicts (2 of 4 stars). 2 submissions from 2 submitters: Uncertain significance (2). Last evaluated 2021-09-13.

Conditions:
Renal dysplasia, cystic, susceptibility to. Identifiers: MedGen C3275898, MONDO:0011037, OMIM 601331.

Allele frequency attached by ClinVar (database versions not stated): ExAC 0.00001; gnomAD 0.00001; TOPMed 0.00001; gnomAD exomes 0.00003 and 0.00004.
gnomAD v4.1: 60 of 1,613,932 alleles (0.0037%); highest among the groups gnomAD compares: Non-Finnish European, 0.0047%; no homozygotes.

Submissions (2):

Fulgent Genetics
Classification: Uncertain significance for Renal dysplasia, cystic, susceptibility to. Last evaluated: 2021-09-13. Review status: criteria provided, single submitter. Criteria: ACMG Guidelines, 2015. Collection method: clinical testing. Allele origin: unknown.

GeneDx
Classification: Uncertain significance. Last evaluated: 2020-01-12. Review status: criteria provided, single submitter. Criteria: GeneDx Variant Classification Process June 2021. Collection method: clinical testing. Allele origin: germline. Affected: yes.
Comment: In silico analysis, which includes protein predictors and evolutionary conservation, supports a deleterious effect; Has not been previously published as pathogenic or benign to our knowledge